The following is an entry in ClinVar:

ClinVar aggregate classification (germline): Likely benign. Review status: criteria provided, single submitter (1 of 4 stars). 2 submissions from 2 submitters: Likely benign (1). 1 of the submissions does not count toward it. Last evaluated 2023-07-18.

Conditions:
VPS13B-related disorder. Also called: VPS13B-related condition.
Cohen syndrome (COH1). Also called: Cutis verticis gyrata, retinitis pigmentosa, and sensorineural deafness; PEPPER SYNDROME. Identifiers: Orphanet 193, MedGen C0265223, MONDO:0008999, OMIM 216550.

Submissions (2):

Labcorp Genetics (formerly Invitae), Labcorp
Classification: Likely benign for Cohen syndrome. Last evaluated: 2023-07-18. Review status: criteria provided, single submitter. Criteria: Invitae Variant Classification Sherloc (09022015). Collection method: clinical testing. Allele origin: germline.

PreventionGenetics, part of Exact Sciences
Classification: Likely benign for VPS13B-related condition. Last evaluated: 2022-07-20. Review status: no assertion criteria provided. Collection method: clinical testing. Allele origin: germline. Not counted in ClinVar's aggregate classification.
Comment: This variant is classified as likely benign based on ACMG/AMP sequence variant interpretation guidelines (Richards et al. 2015 PMID: 25741868, with internal and published modifications).

NM_152564.5(VPS13B):c.6726T>C (p.Asn2242=)

Gene: VPS13B (vacuolar protein sorting 13 homolog B; plus strand). Cytogenetic location: 8q22.2.
Variant type: single nucleotide variant.
Coding change: c.6726T>C on transcript NM_152564.5 (MANE Select); coding-DNA position 6726, T replaced by C.
Protein change: p.Asn2242=; no amino-acid change (asparagine 2242 retained).
Molecular consequence: synonymous variant.
Genome position (GRCh38, 1-based): chr8:99,720,413, T>C. VCF-style: chr8-99720413-T-C. GRCh37 (hg19) VCF-style: chr8-100732641-T-C.
Other names: c.6801T>C, p.Asn2267= (NM_017890.5).
Identifiers: ClinVar variation 2743642 (VCV002743642.4), dbSNP rs1274744211, ClinGen allele CA462440782.
Genomic context (GRCh38, chr8:99,720,413, plus strand): 5'-GGGTCAAGAACATTTGAATTGTTTAGTTCTTCTACATGAATTACTCAATGGATACCTTAA[T>C]GAGGAGGGAAATTTTGAAGTACAAGTTTCTGAACCAGTGCCTCAAATGTCATCTCCTGTG-3'
Protein context (NP_689777.3, residues 2232-2252): LLHELLNGYL[Asn2242=]EEGNFEVQVS